The following is an entry in ClinVar:

NM_018671.5(UNC45A):c.2506C>T (p.Arg836Trp)

Genes: RCCD1-AS1 (RCCD1 and UNC45A antisense RNA 1; minus strand), UNC45A (unc-45 myosin chaperone A; plus strand). Cytogenetic location: 15q26.1.
Variant type: single nucleotide variant.
Coding change: c.2506C>T on transcript NM_018671.5 (MANE Select); coding-DNA position 2506, C replaced by T.
Protein change: p.Arg836Trp; replaces arginine 836 with tryptophan.
Molecular consequence: missense variant.
Genome position (GRCh38, 1-based): chr15:90,953,239, C>T. VCF-style: chr15-90953239-C-T. GRCh37 (hg19) VCF-style: chr15-91496469-C-T.
Other names: c.2461C>T, p.Arg821Trp (NM_001039675.2, NM_001323621.2); c.2506C>T, p.Arg836Trp (NM_001323619.1); c.2071C>T, p.Arg691Trp (NM_001323620.2); short protein forms R691W, R821W, R836W.
Identifiers: ClinVar variation 1111193 (VCV001111193.11), dbSNP rs8041417, ClinGen allele CA7743319.

ClinVar aggregate classification (germline): Likely benign. Review status: criteria provided, single submitter (1 of 4 stars). 2 submissions from 2 submitters: Likely benign (1). 1 of the submissions does not count toward it. Last evaluated 2026-01-05.

Conditions:
UNC45A-related disorder. Also called: UNC45A-related condition.

Allele frequency attached by ClinVar (database versions not stated): gnomAD exomes 0.00042; ExAC 0.00048; ESP Exome Variant Server 0.00162; gnomAD 0.00169 and 0.00181; 1000 Genomes Project 30x 0.00172; 1000 Genomes Project 0.00180; TOPMed 0.00187.
gnomAD v4.1: 549 of 1,613,680 alleles (0.034%); highest among the groups gnomAD compares: African/African-American, 0.6%; 3 homozygotes.

Submissions (2):

Labcorp Genetics (formerly Invitae), Labcorp
Classification: Likely benign. Last evaluated: 2026-01-05. Review status: criteria provided, single submitter. Criteria: Invitae Variant Classification Sherloc (09022015). Collection method: clinical testing. Allele origin: germline.

PreventionGenetics, part of Exact Sciences
Classification: Likely benign for UNC45A-related condition. Last evaluated: 2022-06-27. Review status: no assertion criteria provided. Collection method: clinical testing. Allele origin: germline. Not counted in ClinVar's aggregate classification.
Comment: This variant is classified as likely benign based on ACMG/AMP sequence variant interpretation guidelines (Richards et al. 2015 PMID: 25741868, with internal and published modifications).